The following is an entry in ClinVar:

ClinVar aggregate classification (germline): Conflicting classifications of pathogenicity. Review status: criteria provided, conflicting classifications (1 of 4 stars). 8 submissions from 8 submitters: Uncertain significance (6); Likely benign (2). Last evaluated 2026-04-01.

Conditions:
Inborn genetic diseases. Identifiers: MedGen C0950123, MeSH D030342.
Gillespie syndrome (GLSP). Also called: Aniridia, cerebellar ataxia, and mental deficiency; Aniridia-cerebellar ataxia-intellectual disability syndrome. Identifiers: Orphanet 1065, MedGen C0431401, MONDO:0008795, OMIM 206700.
Autosomal dominant cerebellar ataxia. Also called: Spinocerebellar Ataxia, Dominant. Identifiers: Orphanet 99, MedGen C4087347, MONDO:0020380.
ITPR1-related disorder. Also called: ITPR1-related condition.

Allele frequency attached by ClinVar (database versions not stated): ESP Exome Variant Server 0.00008; gnomAD 0.00019; TOPMed 0.00061.
gnomAD v4.1: 512 of 1,610,676 alleles (0.032%); highest among the groups gnomAD compares: Non-Finnish European, 0.039%; no homozygotes.

Submissions (8):

CeGaT Center for Human Genetics Tuebingen
Classification: Uncertain significance. Last evaluated: 2026-04-01. Review status: criteria provided, single submitter. Criteria: CeGaT Center For Human Genetics Tuebingen Variant Classification Criteria Version 2. Collection method: clinical testing. Allele origin: germline. Affected: yes. Observed: 2 variant alleles.
Comment: ITPR1: PM2

Labcorp Genetics (formerly Invitae), Labcorp
Classification: Uncertain significance. Last evaluated: 2025-11-24. Review status: criteria provided, single submitter. Criteria: Invitae Variant Classification Sherloc (09022015). Collection method: clinical testing. Allele origin: germline.
Comment: This sequence change replaces serine, which is neutral and polar, with threonine, which is neutral and polar, at codon 689 of the ITPR1 protein (p.Ser689Thr). This variant is present in population databases (rs373694009, gnomAD 0.04%). This variant has not been reported in the literature in individuals affected with ITPR1-related conditions. ClinVar contains an entry for this variant (Variation ID: 804931). Invitae Evidence Modeling of protein sequence and biophysical properties (such as structural, functional, and spatial information, amino acid conservation, physicochemical variation, residue mobility, and thermodynamic stability) indicates that this missense variant is not expected to disrupt ITPR1 protein function with a negative predictive value of 95%. In summary, the available evidence is currently insufficient to determine the role of this variant in disease. Therefore, it has been classified as a Variant of Uncertain Significance.

PreventionGenetics, part of Exact Sciences
Classification: Uncertain significance for ITPR1-related condition. Last evaluated: 2022-11-08. Review status: criteria provided, single submitter. Criteria: ACMG Guidelines, 2015. Collection method: clinical testing. Allele origin: germline.
Comment: The ITPR1 c.2066G>C variant is predicted to result in the amino acid substitution p.Ser689Thr. To our knowledge, this variant has not been reported in the literature. This variant is reported in 0.041% of alleles in individuals of European (Non-Finnish) descent in gnomAD. At this time, the clinical significance of this variant is uncertain due to the absence of conclusive functional and genetic evidence.

Ambry Genetics
Classification: Uncertain significance for Inborn genetic diseases. Last evaluated: 2021-11-12. Review status: criteria provided, single submitter. Criteria: Ambry Variant Classification Scheme 2023. Collection method: clinical testing. Allele origin: germline.
Comment: Unlikely to be causative of ITPR1-related spinocerebellar ataxia (AD) Based on insufficient or conflicting evidence, the clinical significance of this alteration remains unclear.

GeneDx
Classification: Uncertain significance. Last evaluated: 2021-08-24. Review status: criteria provided, single submitter. Criteria: GeneDx Variant Classification Process June 2021. Collection method: clinical testing. Allele origin: germline. Affected: yes.
Comment: In silico analysis supports that this missense variant does not alter protein structure/function; Has not been previously published as pathogenic or benign to our knowledge

Athena Diagnostics
Classification: Likely benign. Last evaluated: 2019-05-21. Review status: criteria provided, single submitter. Criteria: Athena Diagnostics Criteria. Collection method: clinical testing. Allele origin: germline.

CENTOGENE GmbH and LLC - Guiding Precision Medicine
Classification: Uncertain significance for Gillespie syndrome. Last evaluated: 2018-06-07. Review status: criteria provided, single submitter. Criteria: ACMG Guidelines, 2015. Collection method: clinical testing. Allele origin: germline. Affected: yes.

Illumina Laboratory Services, Illumina
Classification: Likely benign for Spinocerebellar Ataxia, Dominant. Last evaluated: 2018-01-13. Review status: criteria provided, single submitter. Criteria: ICSL Variant Classification Criteria 13 December 2019. Collection method: clinical testing. Allele origin: germline.
Comment: This variant was observed in the ICSL laboratory as part of a predisposition screen in an ostensibly healthy population. It had not been previously curated by ICSL or reported in the Human Gene Mutation Database (HGMD: prior to June 1st, 2018), and was therefore a candidate for classification through an automated scoring system. Utilizing variant allele frequency, disease prevalence and penetrance estimates, and inheritance mode, an automated score was calculated to assess if this variant is too frequent to cause the disease. Based on the score and internal cut-off values, a variant classified as likely benign is not then subjected to further curation. The score for this variant resulted in a classification of likely benign for this disease.

NM_001378452.1(ITPR1):c.2111G>C (p.Ser704Thr)

Gene: ITPR1 (inositol 1,4,5-trisphosphate receptor type 1; plus strand). Cytogenetic location: 3p26.1.
Variant type: single nucleotide variant.
Coding change: c.2111G>C on transcript NM_001378452.1 (MANE Select); coding-DNA position 2111, G replaced by C.
Protein change: p.Ser704Thr; replaces serine 704 with threonine.
Molecular consequence: missense variant.
Genome position (GRCh38, 1-based): chr3:4,670,833, G>C. VCF-style: chr3-4670833-G-C. GRCh37 (hg19) VCF-style: chr3-4712517-G-C.
Other names: c.2111G>C, p.Ser704Thr (NM_001099952.4); c.2066G>C, p.Ser689Thr (NM_001168272.2, NM_002222.7); short protein forms S689T, S704T.
Identifiers: ClinVar variation 804931 (VCV000804931.39), dbSNP rs373694009, ClinGen allele CA2231344.
Genomic context (GRCh38, chr3:4,670,833, plus strand): 5'-GAGAGAATGCTCTGGAGGCAGGAGAAGACGAGGAAGAGGTGTGGCTGTTTTGGAGGGACA[G>C]CAACAAAGAGATTCGCAGCAAGAGTGTGAGGGAATTGGCTCAGGATGCTAAAGAAGGGCA-3'
Protein context (NP_001365381.1, residues 694-714): EEEVWLFWRD[Ser704Thr]NKEIRSKSVR